The following is an entry in ClinVar:

NM_001148.6(ANK2):c.4633C>A (p.Pro1545Thr)

Gene: ANK2 (ankyrin 2; plus strand). Cytogenetic location: 4q26.
Variant type: single nucleotide variant.
Coding change: c.4633C>A on transcript NM_001148.6 (MANE Select); coding-DNA position 4633, C replaced by A.
Protein change: p.Pro1545Thr; replaces proline 1545 with threonine.
Molecular consequence: missense variant. On other transcripts: intron variant (68).
Genome position (GRCh38, 1-based): chr4:113,353,251, C>A. VCF-style: chr4-113353251-C-A. GRCh37 (hg19) VCF-style: chr4-114274407-C-A.
Other names: c.4399C>A, p.Pro1467Thr (NM_001386142.1); c.1033C>A, p.Pro345Thr (NM_001386166.1); c.4774C>A, p.Pro1592Thr (NM_001386174.1); c.4750C>A, p.Pro1584Thr (NM_001386175.1); c.4411+3002C>A (NM_001386186.2, NM_001386148.2); c.4213+3002C>A (NM_001354269.3); c.4291+3002C>A (NM_001386187.2); c.4252+3002C>A (NM_001386147.1); and 35 more; short protein forms P1467T, P1545T, P1584T, P1592T, P345T.
Identifiers: ClinVar variation 1060538 (VCV001060538.7), dbSNP rs760684730, ClinGen allele CA357915228.

ClinVar aggregate classification (germline): Conflicting classifications of pathogenicity. Review status: criteria provided, conflicting classifications (1 of 4 stars). 2 submissions from 2 submitters: Uncertain significance (1); Likely benign (1). Last evaluated 2022-04-10.

Conditions:
Long QT syndrome (LQTS). Identifiers: MedGen C0023976, MeSH D008133, MONDO:0002442. Disease mechanism: loss of function. Inheritance: Various modes of inheritance.
Cardiovascular phenotype. Identifiers: MedGen CN230736.

gnomAD v4.1: 2 of 1,613,888 alleles (0.00012%); highest among the groups gnomAD compares: Admixed American, 0.0017%; no homozygotes.

Submissions (2):

Labcorp Genetics (formerly Invitae), Labcorp
Classification: Uncertain significance for Long QT syndrome. Last evaluated: 2022-04-10. Review status: criteria provided, single submitter. Criteria: Invitae Variant Classification Sherloc (09022015). Collection method: clinical testing. Allele origin: germline.
Comment: Algorithms developed to predict the effect of missense changes on protein structure and function are either unavailable or do not agree on the potential impact of this missense change (SIFT: "Tolerated"; PolyPhen-2: "Probably Damaging"; Align-GVGD: "Class C0"). In summary, the available evidence is currently insufficient to determine the role of this variant in disease. Therefore, it has been classified as a Variant of Uncertain Significance. ClinVar contains an entry for this variant (Variation ID: 1060538). This sequence change replaces proline, which is neutral and non-polar, with threonine, which is neutral and polar, at codon 1545 of the ANK2 protein (p.Pro1545Thr). This variant is present in population databases (no rsID available, gnomAD 0.0009%). This variant has not been reported in the literature in individuals affected with ANK2-related conditions.

Ambry Genetics
Classification: Likely benign for Cardiovascular phenotype. Last evaluated: 2021-03-30. Review status: criteria provided, single submitter. Criteria: Ambry Variant Classification Scheme 2023. Collection method: clinical testing. Allele origin: germline.